The following is an entry in ClinVar:

NM_020297.4(ABCC9):c.466T>C (p.Cys156Arg)

Gene: ABCC9 (ATP binding cassette subfamily C member 9; minus strand). Cytogenetic location: 12p12.1.
Variant type: single nucleotide variant.
Coding change: c.466T>C on transcript NM_020297.4 (MANE Select); coding-DNA position 466, T replaced by C.
Protein change: p.Cys156Arg; replaces cysteine 156 with arginine.
Molecular consequence: missense variant. On other transcripts: intron variant (1).
Genome position (GRCh38, 1-based): chr12:21,917,044, A>G on the plus strand (T>C on the coding strand, the complement: ABCC9 is on the minus strand). VCF-style: chr12-21917044-A-G. GRCh37 (hg19) VCF-style: chr12-22069978-A-G.
Other names: c.466T>C, p.Cys156Arg (NM_001377273.1, NM_005691.4); c.-48-3978T>C (NM_001377274.1); short protein forms C156R.
Identifiers: ClinVar variation 308046 (VCV000308046.12), dbSNP rs886049173, ClinGen allele CA10641623.

ClinVar aggregate classification (germline): Uncertain significance. Review status: criteria provided, multiple submitters, no conflicts (2 of 4 stars). 5 submissions from 4 submitters: Uncertain significance (5). Last evaluated 2026-04-12.

Conditions:
Cardiovascular phenotype. Identifiers: MedGen CN230736.
Hypertrichotic osteochondrodysplasia Cantu type. Also called: Cantú Syndrome; Cantu Syndrome. Identifiers: Orphanet 1517, MedGen C0795905, MONDO:0009406, OMIM 239850.
Dilated cardiomyopathy 1O (CMD1O). Also called: CARDIOMYOPATHY, DILATED, WITH VENTRICULAR TACHYCARDIA. Identifiers: Orphanet 154, MedGen C1837839, MONDO:0012062, OMIM 608569.

Allele frequency attached by ClinVar (database versions not stated): gnomAD 0.00001; TOPMed below 0.00001.
gnomAD v4.1: 1 of 1,613,814 alleles (0.000062%); highest among the groups gnomAD compares: East Asian, 0.0022%; no homozygotes.

Submissions (5):

Ambry Genetics
Classification: Uncertain significance for Cardiovascular phenotype. Last evaluated: 2026-04-12. Review status: criteria provided, single submitter. Criteria: Ambry Variant Classification Scheme 2023. Collection method: clinical testing. Allele origin: germline.
Comment: The p.C156R variant (also known as c.466T>C), located in coding exon 4 of the ABCC9 gene, results from a T to C substitution at nucleotide position 466. The cysteine at codon 156 is replaced by arginine, an amino acid with highly dissimilar properties. This amino acid position is conserved. In addition, the in silico prediction for this alteration is inconclusive. Based on the available evidence, the clinical significance of this variant remains unclear.

Labcorp Genetics (formerly Invitae), Labcorp
Classification: Uncertain significance for Dilated cardiomyopathy 1O. Last evaluated: 2024-10-06. Review status: criteria provided, single submitter. Criteria: Invitae Variant Classification Sherloc (09022015). Collection method: clinical testing. Allele origin: germline.
Comment: This sequence change replaces cysteine, which is neutral and slightly polar, with arginine, which is basic and polar, at codon 156 of the ABCC9 protein (p.Cys156Arg). This variant is not present in population databases (gnomAD no frequency). This variant has not been reported in the literature in individuals affected with ABCC9-related conditions. ClinVar contains an entry for this variant (Variation ID: 308046). Invitae Evidence Modeling of protein sequence and biophysical properties (such as structural, functional, and spatial information, amino acid conservation, physicochemical variation, residue mobility, and thermodynamic stability) has been performed for this missense variant. However, the output from this modeling did not meet the statistical confidence thresholds required to predict the impact of this variant on ABCC9 protein function. In summary, the available evidence is currently insufficient to determine the role of this variant in disease. Therefore, it has been classified as a Variant of Uncertain Significance.

GeneDx
Classification: Uncertain significance. Last evaluated: 2022-05-13. Review status: criteria provided, single submitter. Criteria: GeneDx Variant Classification Process June 2021. Collection method: clinical testing. Allele origin: germline. Affected: yes.
Comment: Not observed at significant frequency in large population cohorts (gnomAD); In silico analysis supports that this missense variant does not alter protein structure/function; Has not been previously published as pathogenic or benign to our knowledge

Illumina Laboratory Services, Illumina
Classification: Uncertain significance for Hypertrichotic osteochondrodysplasia Cantu type. Last evaluated: 2018-01-12. Review status: criteria provided, single submitter. Criteria: ICSL Variant Classification Criteria 13 December 2019. Collection method: clinical testing. Allele origin: germline.

Illumina Laboratory Services, Illumina
Classification: Uncertain significance for Dilated cardiomyopathy 1O. Last evaluated: 2018-01-12. Review status: criteria provided, single submitter. Criteria: ICSL Variant Classification Criteria 13 December 2019. Collection method: clinical testing. Allele origin: germline.